The following is an entry in ClinVar:

NM_005562.3(LAMC2):c.331G>C (p.Ala111Pro)

Gene: LAMC2 (laminin subunit gamma 2; plus strand). Cytogenetic location: 1q25.3.
Variant type: single nucleotide variant.
Coding change: c.331G>C on transcript NM_005562.3 (MANE Select); coding-DNA position 331, G replaced by C.
Protein change: p.Ala111Pro; replaces alanine 111 with proline.
Molecular consequence: missense variant.
Genome position (GRCh38, 1-based): chr1:183,215,515, G>C. VCF-style: chr1-183215515-G-C. GRCh37 (hg19) VCF-style: chr1-183184650-G-C.
Other names: c.331G>C, p.Ala111Pro (NM_018891.3); short protein forms A111P.
Identifiers: ClinVar variation 293988 (VCV000293988.17), dbSNP rs12065473, ClinGen allele CA1282295.
Genomic context (GRCh38, chr1:183,215,515, plus strand): 5'-TCTCTTAGTGCTCGATGTGACAACTCCGGACGGTGCAGCTGTAAACCAGGTGTGACAGGA[G>C]CCAGATGCGACCGATGTCTGCCAGGCTTCCACATGCTCACGGATGCGGGGTGCACCCAAG-3'
Protein context (NP_005553.2, residues 101-121): RCSCKPGVTG[Ala111Pro]RCDRCLPGFH

ClinVar aggregate classification (germline): Benign. Review status: criteria provided, multiple submitters, no conflicts (2 of 4 stars). 4 submissions from 4 submitters: Benign (4). Last evaluated 2026-02-04.

Conditions:
Junctional epidermolysis bullosa. Identifiers: Orphanet 305, MedGen C0079301, MONDO:0017612.

Allele frequency attached by ClinVar (database versions not stated): 1000 Genomes Project 0.03195; gnomAD 0.03326 and 0.03585; ESP Exome Variant Server 0.03775; TOPMed 0.03795; 1000 Genomes Project 30x 0.03404.
gnomAD v4.1: 10,023 of 1,614,132 alleles (0.62%); highest among the groups gnomAD compares: African/African-American, 11%; 538 homozygotes.

Submissions (4):

Labcorp Genetics (formerly Invitae), Labcorp
Classification: Benign. Last evaluated: 2026-02-04. Review status: criteria provided, single submitter. Criteria: Invitae Variant Classification Sherloc (09022015). Collection method: clinical testing. Allele origin: germline.

GeneDx
Classification: Benign. Last evaluated: 2022-11-23. Review status: criteria provided, single submitter. Criteria: GeneDx Variant Classification Process June 2021. Collection method: clinical testing. Allele origin: germline. Affected: yes.
Comment: See Variant Classification Assertion Criteria.

Illumina Laboratory Services, Illumina
Classification: Benign for Junctional epidermolysis bullosa. Last evaluated: 2018-01-13. Review status: criteria provided, single submitter. Criteria: ICSL Variant Classification Criteria 13 December 2019. Collection method: clinical testing. Allele origin: germline.
Comment: This variant was observed in the ICSL laboratory as part of a predisposition screen in an ostensibly healthy population. It had not been previously curated by ICSL or reported in the Human Gene Mutation Database (HGMD: prior to June 1st, 2018), and was therefore a candidate for classification through an automated scoring system. Utilizing variant allele frequency, disease prevalence and penetrance estimates, and inheritance mode, an automated score was calculated to assess if this variant is too frequent to cause the disease. Based on the score and internal cut-off values, a variant classified as benign is not then subjected to further curation. The score for this variant resulted in a classification of benign for this disease.

Breakthrough Genomics
Classification: Benign. Review status: criteria provided, single submitter. Criteria: ACMG Guidelines, 2015. Collection method: not provided. Allele origin: germline. Inheritance: Autosomal recessive inheritance. Affected: yes.